The following is an entry in ClinVar:

ClinVar aggregate classification (germline): Pathogenic. Review status: criteria provided, multiple submitters, no conflicts (2 of 4 stars). 2 submissions from 2 submitters: Pathogenic (2). Last evaluated 2023-08-01.

Conditions:
Bardet-Biedl syndrome (BBS). Identifiers: Orphanet 110, MedGen C0752166, MONDO:0015229.

Submissions (2):

GeneDx
Classification: Pathogenic. Last evaluated: 2023-08-01. Review status: criteria provided, single submitter. Criteria: GeneDx Variant Classification Process June 2021. Collection method: clinical testing. Allele origin: germline. Affected: yes.
Comment: Nonsense variant predicted to result in protein truncation or nonsense mediated decay in a gene for which loss of function is a known mechanism of disease; Not observed at significant frequency in large population cohorts (gnomAD); This variant is associated with the following publications: (PMID: 25525159, 32835378, 12118255, 12677556)

Labcorp Genetics (formerly Invitae), Labcorp
Classification: Pathogenic for Bardet-Biedl syndrome. Last evaluated: 2020-10-02. Review status: criteria provided, single submitter. Criteria: Invitae Variant Classification Sherloc (09022015). Collection method: clinical testing. Allele origin: germline.
Comment: Loss-of-function variants in BBS1 are known to be pathogenic (PMID: 12118255). This variant has been observed in individual(s) with clinical features of Bardet-Biedl syndrome (PMID: 12677556). This variant is not present in population databases (ExAC no frequency). This sequence change creates a premature translational stop signal (p.Gln128*) in the BBS1 gene. It is expected to result in an absent or disrupted protein product. For these reasons, this variant has been classified as Pathogenic.

Literature cited by the submitters: PubMed 12118255 (cited by Labcorp Genetics (formerly Invitae), Labcorp); PubMed 12677556 (cited by Labcorp Genetics (formerly Invitae), Labcorp).

NM_024649.5(BBS1):c.382C>T (p.Gln128Ter)

Gene: BBS1 (Bardet-Biedl syndrome 1; plus strand). Cytogenetic location: 11q13.2.
Variant type: single nucleotide variant.
Coding change: c.382C>T on transcript NM_024649.5 (MANE Select); coding-DNA position 382, C replaced by T.
Protein change: p.Gln128Ter; replaces glutamine 128 with a stop codon.
Molecular consequence: nonsense.
Genome position (GRCh38, 1-based): chr11:66,514,628, C>T. VCF-style: chr11-66514628-C-T. GRCh37 (hg19) VCF-style: chr11-66282099-C-T.
Other names: c.382C>T (NM_024649.4); short protein forms Q128*.
Identifiers: ClinVar variation 1074464 (VCV001074464.12), dbSNP rs2134771570, ClinGen allele CA381456987.
Genomic context (GRCh38, chr11:66,514,628, plus strand): 5'-TCAGGCCCTTGTGTCTATGTGTATAAGAATCTCAGACCCTACTTCAAGTTCAGCCTGCCC[C>T]AATTGCCTCCAAATCCTCTGGAACAAGACCTTTGGAACCAGGCCAAAGAGGTAAATAAAT-3'